The following is an entry in ClinVar:

ClinVar aggregate classification (germline): Pathogenic/Likely pathogenic. Review status: criteria provided, multiple submitters, no conflicts (2 of 4 stars). 3 submissions from 3 submitters: Pathogenic (2); Likely pathogenic (1). Last evaluated 2025-03-19.

Conditions:
NOTCH2-related disorder. Also called: NOTCH2-related condition.
Hajdu-Cheney syndrome (HJCYS). Also called: SERPENTINE FIBULA-POLYCYSTIC KIDNEY SYNDROME; ACROOSTEOLYSIS WITH OSTEOPOROSIS AND CHANGES IN SKULL AND MANDIBLE; Acroosteolysis dominant type. Identifiers: Orphanet 955, MedGen C0917715, MONDO:0007057, OMIM 102500.

Allele frequency attached by ClinVar (database versions not stated): TOPMed below 0.00001.

Submissions (3):

PreventionGenetics, part of Exact Sciences
Classification: Likely pathogenic for NOTCH2-related condition. Last evaluated: 2025-03-19. Review status: criteria provided, single submitter. Criteria: ACMG Guidelines, 2015. Collection method: clinical testing. Allele origin: germline.
Comment: The NOTCH2 c.5664dupA variant is predicted to result in a frameshift and premature protein termination (p.Arg1889Thrfs*3). To our knowledge, this variant has not been reported in the literature. This variant has not been reported in a large population database (gnomAD), indicating this variant is rare. Frameshift variants in NOTCH2 are expected to be pathogenic. This variant is interpreted as likely pathogenic.

Labcorp Genetics (formerly Invitae), Labcorp
Classification: Pathogenic for Hajdu-Cheney syndrome. Last evaluated: 2022-06-26. Review status: criteria provided, single submitter. Criteria: Invitae Variant Classification Sherloc (09022015). Collection method: clinical testing. Allele origin: germline.
Comment: For these reasons, this variant has been classified as Pathogenic. ClinVar contains an entry for this variant (Variation ID: 593268). This variant has not been reported in the literature in individuals affected with NOTCH2-related conditions. This variant is not present in population databases (gnomAD no frequency). This sequence change creates a premature translational stop signal (p.Arg1889Thrfs*3) in the NOTCH2 gene. It is expected to result in an absent or disrupted protein product. Loss-of-function variants in NOTCH2 are known to be pathogenic (PMID: 16773578, 22209762).

Eurofins Ntd Llc (ga)
Classification: Pathogenic. Last evaluated: 2017-07-17. Review status: criteria provided, single submitter. Criteria: EGL Classification Definitions 2015. Collection method: clinical testing. Allele origin: germline. Observed: 1 variant allele, 1 heterozygote.

Literature cited by the submitters: PubMed 16773578 (cited by Labcorp Genetics (formerly Invitae), Labcorp); PubMed 22209762 (cited by Labcorp Genetics (formerly Invitae), Labcorp).

NM_024408.4(NOTCH2):c.5664dup (p.Arg1889fs)

Gene: NOTCH2 (notch receptor 2; minus strand). Cytogenetic location: 1p12.
Variant type: Duplication.
Coding change: c.5664dup on transcript NM_024408.4 (MANE Select); coding-DNA position 5664, one base duplicated (A; older notation c.5664dupA).
Protein change: p.Arg1889fs; shifts the reading frame from arginine 1889.
Molecular consequence: frameshift variant.
Genome position (GRCh38, 1-based): chr1:119,919,429, T duplicated on the plus strand (A on the coding strand, the reverse complement: NOTCH2 is on the minus strand). VCF-style (leftmost placement, unchanged base first): chr1-119919428-G-GT. GRCh37 (hg19) VCF-style: chr1-120462051-G-GT.
Other names: c.5664dupA (NM_024408.3); short protein forms R1889fs.
Identifiers: ClinVar variation 593268 (VCV000593268.11), dbSNP rs927740391, ClinGen allele CA30315044.